The following is an entry in ClinVar:

ClinVar aggregate classification (germline): Conflicting classifications of pathogenicity. Review status: criteria provided, conflicting classifications (1 of 4 stars). 3 submissions from 3 submitters: Uncertain significance (1); Likely benign (2). Last evaluated 2026-01-19.

Conditions:
Inborn genetic diseases. Identifiers: MedGen C0950123, MeSH D030342.

Allele frequency attached by ClinVar (database versions not stated): 1000 Genomes Project 0.00080; 1000 Genomes Project 30x 0.00094.
gnomAD v4.1: 324 of 1,613,708 alleles (0.02%); highest among the groups gnomAD compares: South Asian, 0.27%; 2 homozygotes.

Submissions (3):

Labcorp Genetics (formerly Invitae), Labcorp
Classification: Likely benign. Last evaluated: 2026-01-19. Review status: criteria provided, single submitter. Criteria: Invitae Variant Classification Sherloc (09022015). Collection method: clinical testing. Allele origin: germline.

Ambry Genetics
Classification: Uncertain significance for Inborn genetic diseases. Last evaluated: 2025-04-17. Review status: criteria provided, single submitter. Criteria: Ambry Variant Classification Scheme 2023. Collection method: clinical testing. Allele origin: germline.

CeGaT Center for Human Genetics Tuebingen
Classification: Likely benign. Last evaluated: 2024-01-01. Review status: criteria provided, single submitter. Criteria: CeGaT Center For Human Genetics Tuebingen Variant Classification Criteria Version 2. Collection method: clinical testing. Allele origin: germline. Affected: yes. Observed: 1 variant allele.
Comment: SPEG: BP4

NM_005876.5(SPEG):c.6695C>G (p.Pro2232Arg)

Genes: ASIC4-AS1 (ASIC4 antisense RNA 1; minus strand), SPEG (striated muscle enriched protein kinase; plus strand). Cytogenetic location: 2q35.
Variant type: single nucleotide variant.
Coding change: c.6695C>G on transcript NM_005876.5 (MANE Select); coding-DNA position 6695, C replaced by G.
Protein change: p.Pro2232Arg; replaces proline 2232 with arginine.
Molecular consequence: missense variant.
Genome position (GRCh38, 1-based): chr2:219,484,158, C>G. VCF-style: chr2-219484158-C-G. GRCh37 (hg19) VCF-style: chr2-220348880-C-G.
Other names: c.6695C>G (NM_005876.4); short protein forms P2232R.
Identifiers: ClinVar variation 1623454 (VCV001623454.31), dbSNP rs201950092, ClinGen allele CA2127090.